The following is an entry in ClinVar:

ClinVar aggregate classification (germline): Uncertain significance (1 of 4 stars; one submission).

Submission:

Medical Genetic Center, Changzhi Maternal and Child Health Care Hospital
Classification: Uncertain significance. Last evaluated: 2025-12-10. Review status: criteria provided, single submitter. Criteria: ACMG/ClinGen CNV Guidelines, 2019. Collection method: clinical testing. Allele origin: unknown.
Comment: 1A(0)+3A(0):ALDH6A1, partial VSX2(NM_182894.3, exon 1-3) duplication

GRCh38/hg38 14q24.3(chr14:74040961-74247233)x3

Genes: ALDH6A1 (aldehyde dehydrogenase 6 family member A1; minus strand), BBOF1 (basal body orientation factor 1; plus strand), LIN52 (lin-52 DREAM MuvB core complex component; plus strand), VSX2 (visual system homeobox 2; plus strand), LOC129390646 (MPRA-validated peak2199 silencer; plus strand) and 3 more. Cytogenetic location: 14q24.3.
Variant type: copy number gain.
Change: copy number 3 (three copies instead of two) of chr14:74,040,961-74,247,233 (206.3 kb, GRCh38 coordinates, 1-based), cytogenetic band 14q24.3.
Identifiers: ClinVar variation 4796316 (VCV004796316.1).